The following is an entry in ClinVar:

NM_001276270.2(MBD4):c.219G>T (p.Gln73His)

Gene: MBD4 (methyl-CpG binding domain 4, DNA glycosylase; minus strand). Cytogenetic location: 3q21.3.
Variant type: single nucleotide variant.
Coding change: c.219G>T on transcript NM_001276270.2 (MANE Select); coding-DNA position 219, G replaced by T.
Protein change: p.Gln73His; replaces glutamine 73 with histidine.
Molecular consequence: missense variant.
Genome position (GRCh38, 1-based): chr3:129,437,836, C>A on the plus strand (G>T on the coding strand, the complement: MBD4 is on the minus strand). VCF-style: chr3-129437836-C-A. GRCh37 (hg19) VCF-style: chr3-129156679-C-A.
Other names: c.219G>T, p.Gln73His (NM_001276271.2, NM_001276272.2, NM_001276273.2 and 1 more transcripts); short protein forms Q73H.
Identifiers: ClinVar variation 5024055 (VCV005024055.1).

ClinVar aggregate classification (germline): Uncertain significance (1 of 4 stars; one submission).

Conditions:
Inborn genetic diseases. Identifiers: MedGen C0950123, MeSH D030342.

Submission:

Ambry Genetics
Classification: Uncertain significance for Inborn genetic diseases. Last evaluated: 2026-09-14. Review status: criteria provided, single submitter. Criteria: Ambry Variant Classification Scheme 2023. Collection method: clinical testing. Allele origin: germline.
Comment: The p.Q73H variant (also known as c.219G>T), located in coding exon 2 of the MBD4 gene, results from a G to T substitution at nucleotide position 219. The glutamine at codon 73 is replaced by histidine, an amino acid with highly similar properties. This amino acid position is conserved. In addition, this alteration is predicted to be tolerated by in silico analysis. Based on the available evidence, the clinical significance of this variant remains unclear.